The following is an entry in ClinVar:

NM_001148.6(ANK2):c.4432G>A (p.Glu1478Lys)

Gene: ANK2 (ankyrin 2; plus strand). Cytogenetic location: 4q26.
Variant type: single nucleotide variant.
Coding change: c.4432G>A on transcript NM_001148.6 (MANE Select); coding-DNA position 4432, G replaced by A.
Protein change: p.Glu1478Lys; replaces glutamic acid 1478 with lysine.
Molecular consequence: missense variant. On other transcripts: intron variant (68).
Genome position (GRCh38, 1-based): chr4:113,353,050, G>A. VCF-style: chr4-113353050-G-A. GRCh37 (hg19) VCF-style: chr4-114274206-G-A.
Other names: c.4198G>A, p.Glu1400Lys (NM_001386142.1); c.832G>A, p.Glu278Lys (NM_001386166.1); c.4573G>A, p.Glu1525Lys (NM_001386174.1); c.4549G>A, p.Glu1517Lys (NM_001386175.1); c.4411+2801G>A (NM_001386186.2, NM_001386148.2); c.4213+2801G>A (NM_001354269.3); c.4291+2801G>A (NM_001386187.2); c.4252+2801G>A (NM_001386147.1); and 35 more; short protein forms E1478K, E1400K, E1517K, E1525K, E278K.
Identifiers: ClinVar variation 861665 (VCV000861665.6), dbSNP rs1183478602, ClinGen allele CA357914386.

ClinVar aggregate classification (germline): Uncertain significance (1 of 4 stars; one submission).

Conditions:
Long QT syndrome (LQTS). Identifiers: MedGen C0023976, MeSH D008133, MONDO:0002442. Disease mechanism: loss of function. Inheritance: Various modes of inheritance.

Allele frequency attached by ClinVar (database versions not stated): gnomAD exomes below 0.00001 and 0.00001; TOPMed below 0.00001; gnomAD 0.00001.
gnomAD v4.1: 4 of 1,613,122 alleles (0.00025%); highest among the groups gnomAD compares: Middle Eastern, 0.016%; no homozygotes.

Submission:

Labcorp Genetics (formerly Invitae), Labcorp
Classification: Uncertain significance for Long QT syndrome. Last evaluated: 2022-03-09. Review status: criteria provided, single submitter. Criteria: Invitae Variant Classification Sherloc (09022015). Collection method: clinical testing. Allele origin: germline.
Comment: In summary, the available evidence is currently insufficient to determine the role of this variant in disease. Therefore, it has been classified as a Variant of Uncertain Significance. Algorithms developed to predict the effect of missense changes on protein structure and function are either unavailable or do not agree on the potential impact of this missense change (SIFT: "Tolerated"; PolyPhen-2: "Possibly Damaging"; Align-GVGD: "Class C0"). ClinVar contains an entry for this variant (Variation ID: 861665). This variant has not been reported in the literature in individuals affected with ANK2-related conditions. This variant is present in population databases (no rsID available, gnomAD 0.0009%). This sequence change replaces glutamic acid, which is acidic and polar, with lysine, which is basic and polar, at codon 1478 of the ANK2 protein (p.Glu1478Lys).